The following is an entry in ClinVar:

NM_002471.4(MYH6):c.2957G>A (p.Gly986Glu)

Gene: MYH6 (myosin heavy chain 6; minus strand). Cytogenetic location: 14q11.2.
Variant type: single nucleotide variant.
Coding change: c.2957G>A on transcript NM_002471.4 (MANE Select); coding-DNA position 2957, G replaced by A.
Protein change: p.Gly986Glu; replaces glycine 986 with glutamic acid.
Molecular consequence: missense variant.
Genome position (GRCh38, 1-based): chr14:23,393,490, C>T on the plus strand (G>A on the coding strand, the complement: MYH6 is on the minus strand). VCF-style: chr14-23393490-C-T. GRCh37 (hg19) VCF-style: chr14-23862699-C-T.
Other names: short protein forms G986E.
Identifiers: ClinVar variation 691661 (VCV000691661.11), dbSNP rs1369680809, ClinGen allele CA389011318.

ClinVar aggregate classification (germline): Uncertain significance. Review status: criteria provided, multiple submitters, no conflicts (2 of 4 stars). 4 submissions from 4 submitters: Uncertain significance (4). Last evaluated 2025-06-17.

Conditions:
Arrhythmogenic right ventricular cardiomyopathy (ARVD). Also called: Arrhythmogenic cardiomyopathy; Cardiomyopathy, ARVC; Arrhythmogenic right ventricular dysplasia; Arrhythmogenic Right Ventricular Cardiomyopathy (ARVC). Identifiers: Orphanet 247, MedGen C0349788, MeSH D019571, MONDO:0016587. Disease mechanism: loss of function. Inheritance: Various modes of inheritance.
Cardiovascular phenotype. Identifiers: MedGen CN230736.
Hypertrophic cardiomyopathy 14. Identifiers: MedGen C2750467, MONDO:0013197, OMIM 613251.

Allele frequency attached by ClinVar (database versions not stated): gnomAD exomes below 0.00001; TOPMed below 0.00001.
gnomAD v4.1: 4 of 1,614,128 alleles (0.00025%); highest among the groups gnomAD compares: African/African-American, 0.0013%; no homozygotes.

Submissions (4):

Ambry Genetics
Classification: Uncertain significance for Cardiovascular phenotype. Last evaluated: 2025-06-17. Review status: criteria provided, single submitter. Criteria: Ambry Variant Classification Scheme 2023. Collection method: clinical testing. Allele origin: germline.
Comment: The p.G986E variant (also known as c.2957G>A), located in coding exon 21 of the MYH6 gene, results from a G to A substitution at nucleotide position 2957. The glycine at codon 986 is replaced by glutamic acid, an amino acid with similar properties. This amino acid position is conserved. In addition, this alteration is predicted to be tolerated by in silico analysis. Based on the available evidence, the clinical significance of this variant remains unclear.

Labcorp Genetics (formerly Invitae), Labcorp
Classification: Uncertain significance for Hypertrophic cardiomyopathy 14. Last evaluated: 2022-11-22. Review status: criteria provided, single submitter. Criteria: Invitae Variant Classification Sherloc (09022015). Collection method: clinical testing. Allele origin: germline.
Comment: This variant is present in population databases (no rsID available, gnomAD 0.007%). This sequence change replaces glycine, which is neutral and non-polar, with glutamic acid, which is acidic and polar, at codon 986 of the MYH6 protein (p.Gly986Glu). This variant has not been reported in the literature in individuals affected with MYH6-related conditions. ClinVar contains an entry for this variant (Variation ID: 691661). Advanced modeling of protein sequence and biophysical properties (such as structural, functional, and spatial information, amino acid conservation, physicochemical variation, residue mobility, and thermodynamic stability) performed at Invitae indicates that this missense variant is not expected to disrupt MYH6 protein function. In summary, the available evidence is currently insufficient to determine the role of this variant in disease. Therefore, it has been classified as a Variant of Uncertain Significance.

GeneDx
Classification: Uncertain significance. Last evaluated: 2019-11-25. Review status: criteria provided, single submitter. Criteria: GeneDx Variant Classification Process June 2021. Collection method: clinical testing. Allele origin: germline. Affected: yes.
Comment: Has not been previously published as pathogenic or benign to our knowledge; Reported in ClinVar as a variant of uncertain significance (ClinVar Variant ID# 691661; Landrum et al., 2016); Not observed at a significant frequency in large population cohorts (Lek et al., 2016); In silico analysis, which includes protein predictors and evolutionary conservation, supports a deleterious effect

Center for Advanced Laboratory Medicine, UC San Diego Health, University of California San Diego
Classification: Uncertain significance for Arrhythmogenic right ventricular cardiomyopathy. Last evaluated: 2017-08-30. Review status: criteria provided, single submitter. Criteria: ACMG Guidelines, 2015. Collection method: clinical testing. Allele origin: germline. Affected: yes. Observed: 1 variant allele.